The following is an entry in ClinVar:

NM_000384.3(APOB):c.2144T>G (p.Val715Gly)

Gene: APOB (apolipoprotein B; minus strand). Cytogenetic location: 2p24.1.
Variant type: single nucleotide variant.
Coding change: c.2144T>G on transcript NM_000384.3 (MANE Select); coding-DNA position 2144, T replaced by G.
Protein change: p.Val715Gly; replaces valine 715 with glycine.
Molecular consequence: missense variant.
Genome position (GRCh38, 1-based): chr2:21,026,888, A>C on the plus strand (T>G on the coding strand, the complement: APOB is on the minus strand). VCF-style: chr2-21026888-A-C. GRCh37 (hg19) VCF-style: chr2-21249760-A-C.
Other names: c.2144T>G (NM_000384.2); short protein forms V715G.
Identifiers: ClinVar variation 1390766 (VCV001390766.11), dbSNP rs1663743872, ClinGen allele CA346013259.

ClinVar aggregate classification (germline): Uncertain significance. Review status: criteria provided, multiple submitters, no conflicts (2 of 4 stars). 3 submissions from 3 submitters: Uncertain significance (3). Last evaluated 2026-07-03.

Conditions:
Cardiovascular phenotype. Identifiers: MedGen CN230736.
Hypercholesterolemia, autosomal dominant, type B (FHCL2). Also called: Familial Hypercholesterolemia Type B; Hyperlipoproteinemia Type IIb; APOLIPOPROTEIN B-100, FAMILIAL DEFECTIVE; APOLIPOPROTEIN B-100, FAMILIAL LIGAND-DEFECTIVE; HYPERCHOLESTEROLEMIA, FAMILIAL, DUE TO LIGAND-DEFECTIVE APOLIPOPROTEIN B; Familial hypercholesterolemia 2. Identifiers: MedGen C1704417, MONDO:0007751, OMIM 144010.
Familial hypobetalipoproteinemia 1. Also called: APOB-Related Familial Hypobetalipoproteinemia; Hypobetalipoproteinemia, normotriglyceridemic; Acanthocytosis with hypobetalipoproteinemia. Identifiers: MedGen C4551990, MONDO:0014252, OMIM 615558.

Allele frequency attached by ClinVar (database versions not stated): gnomAD exomes 0.00003; gnomAD 0.00001; TOPMed 0.00001.
gnomAD v4.1: 39 of 1,614,040 alleles (0.0024%); highest among the groups gnomAD compares: Non-Finnish European, 0.0033%; no homozygotes.

Submissions (3):

Ambry Genetics
Classification: Uncertain significance for Cardiovascular phenotype. Last evaluated: 2026-07-03. Review status: criteria provided, single submitter. Criteria: Ambry Variant Classification Scheme 2023. Collection method: clinical testing. Allele origin: germline.

Labcorp Genetics (formerly Invitae), Labcorp
Classification: Uncertain significance for Familial hypobetalipoproteinemia 1; Hypercholesterolemia, autosomal dominant, type B. Last evaluated: 2024-08-19. Review status: criteria provided, single submitter. Criteria: Invitae Variant Classification Sherloc (09022015). Collection method: clinical testing. Allele origin: germline.
Comment: This sequence change replaces valine, which is neutral and non-polar, with glycine, which is neutral and non-polar, at codon 715 of the APOB protein (p.Val715Gly). This variant is not present in population databases (gnomAD no frequency). This variant has not been reported in the literature in individuals affected with APOB-related conditions. ClinVar contains an entry for this variant (Variation ID: 1390766). Invitae Evidence Modeling of protein sequence and biophysical properties (such as structural, functional, and spatial information, amino acid conservation, physicochemical variation, residue mobility, and thermodynamic stability) indicates that this missense variant is not expected to disrupt APOB protein function with a negative predictive value of 95%. In summary, the available evidence is currently insufficient to determine the role of this variant in disease. Therefore, it has been classified as a Variant of Uncertain Significance.

Fulgent Genetics
Classification: Uncertain significance for Hypercholesterolemia, autosomal dominant, type B; Familial hypobetalipoproteinemia 1. Last evaluated: 2021-09-23. Review status: criteria provided, single submitter. Criteria: ACMG Guidelines, 2015. Collection method: clinical testing. Allele origin: unknown.